The following is an entry in ClinVar:

NM_015909.4(NBAS):c.2203-2A>G

Gene: NBAS (NBAS subunit of NRZ tethering complex; minus strand). Cytogenetic location: 2p24.3.
Variant type: single nucleotide variant.
Coding change: c.2203-2A>G on transcript NM_015909.4 (MANE Select); the canonical splice acceptor site of the intron before coding-DNA position 2203, A replaced by G.
Molecular consequence: splice acceptor variant.
Genome position (GRCh38, 1-based): chr2:15,461,339, T>C on the plus strand (A>G on the coding strand, the complement: NBAS is on the minus strand). VCF-style: chr2-15461339-T-C. GRCh37 (hg19) VCF-style: chr2-15601463-T-C.
Identifiers: ClinVar variation 3370418 (VCV003370418.4).
Genomic context (GRCh38, chr2:15,461,339, plus strand): 5'-GGAAGCAGGTCGGAACCATGGTAAGTAAACAGAATTTCCAGGGCTTGTACATTACTTTCC[T>C]GTACAAAAGGCAAGGGGTAAGTTTCTAATGTAAATCTAAGAAATAAAGGAGTGATTTTAT-3'

ClinVar aggregate classification (germline): Likely pathogenic. Review status: criteria provided, multiple submitters, no conflicts (2 of 4 stars). 3 submissions from 3 submitters: Likely pathogenic (2). 1 of the submissions does not count toward it. Last evaluated 2025-12-04.

Conditions:
Short stature-optic atrophy-Pelger-Huët anomaly syndrome. Also called: Short stature, optic nerve atrophy, and Pelger-Huet anomaly; Short stature-optic atrophy-Pelger-HuC+t anomaly syndrome. Identifiers: Orphanet 391677, MedGen C3541319, MONDO:0013889, OMIM 614800.
Infantile liver failure syndrome 2 (ILFS2). Identifiers: MedGen C3809651, MONDO:0014659, OMIM 616483.

gnomAD v4.1: 1 of 1,611,482 alleles (0.000062%); highest among the groups gnomAD compares: East Asian, 0.0022%; no homozygotes.

Submissions (3):

Labcorp Genetics (formerly Invitae), Labcorp
Classification: Likely pathogenic. Last evaluated: 2025-12-04. Review status: criteria provided, single submitter. Criteria: Invitae Variant Classification Sherloc (09022015). Collection method: clinical testing. Allele origin: germline.
Comment: This sequence change affects an acceptor splice site in intron 20 of the NBAS gene. It is expected to disrupt RNA splicing. Variants that disrupt the donor or acceptor splice site typically lead to a loss of protein function (PMID: 16199547), and loss-of-function variants in NBAS are known to be pathogenic (PMID: 26073778, 26541327, 27789416, 28031453). This variant is not present in population databases (gnomAD no frequency). This variant has not been reported in the literature in individuals affected with NBAS-related conditions. ClinVar contains an entry for this variant (Variation ID: 3370418). Algorithms developed to predict the effect of sequence changes on RNA splicing suggest that this variant may disrupt the consensus splice site. In summary, the currently available evidence indicates that the variant is pathogenic, but additional data are needed to prove that conclusively. Therefore, this variant has been classified as Likely Pathogenic.

Juno Genomics, Hangzhou Juno Genomics, Inc
Classification: Likely pathogenic for Infantile liver failure syndrome 2; Short stature-optic atrophy-Pelger-Huët anomaly syndrome. Review status: criteria provided, single submitter. Criteria: ACMG Guidelines, 2015. Collection method: clinical testing. Allele origin: germline.
Comment: Null variant in a gene where loss of function (LOF) is a known mechanism of disease.;Absent from controls (or at extremely low frequency if recessive) in Genome Aggregation Database.

Department of Genetics, Suzhou Beikang Medical Laboratory
Classification: Likely pathogenic for Infantile liver failure syndrome 2; Short stature-optic atrophy-Pelger-Huët anomaly syndrome. Last evaluated: 2024-10-31. Review status: no assertion criteria provided. Collection method: clinical testing. Allele origin: germline. Affected: no. Not counted in ClinVar's aggregate classification.
Comment: In summary, the currently available evidence indicates that the variant is Likely pathogenic, but additional data are needed to prove that conclusively. Therefore, this variant has been classified as Likely Pathogenic. Algorithms developed to predict the effect of sequence changes on RNA splicing suggest that this variant may disrupt the consensus splice site. This variant has not been reported in the literature in individuals affected with NBAS-related conditions. This variant is not present in population databases (ExAC no frequency). This sequence change affects a donor splice site in intron 20 of the NBAS gene. It is expected to disrupt RNA splicing. Variants that disrupt the donor or acceptor splice site typically lead to a loss of protein function (PMID: 16199547), and loss-of-function variants in NBAS are known to be pathogenic (PMID: 21841779, 26827111).

Literature cited by the submitters: PubMed 16199547 (cited by Labcorp Genetics (formerly Invitae), Labcorp); PubMed 26073778 (cited by Labcorp Genetics (formerly Invitae), Labcorp); PubMed 26541327 (cited by Labcorp Genetics (formerly Invitae), Labcorp); PubMed 27789416 (cited by Labcorp Genetics (formerly Invitae), Labcorp); PubMed 28031453 (cited by Labcorp Genetics (formerly Invitae), Labcorp).